The following is an entry in ClinVar:

NM_005763.4(AASS):c.497T>A (p.Met166Lys)

Gene: AASS (aminoadipate-semialdehyde synthase; minus strand). Cytogenetic location: 7q31.32.
Variant type: single nucleotide variant.
Coding change: c.497T>A on transcript NM_005763.4 (MANE Select); coding-DNA position 497, T replaced by A.
Protein change: p.Met166Lys; replaces methionine 166 with lysine.
Molecular consequence: missense variant.
Genome position (GRCh38, 1-based): chr7:122,118,606, A>T on the plus strand (T>A on the coding strand, the complement: AASS is on the minus strand). VCF-style: chr7-122118606-A-T. GRCh37 (hg19) VCF-style: chr7-121758660-A-T.
Other names: short protein forms M166K.
Identifiers: ClinVar variation 2227682 (VCV002227682.2), dbSNP rs2486071640, ClinGen allele CA369021214.

ClinVar aggregate classification (germline): Uncertain significance (1 of 4 stars; one submission).

Conditions:
Inborn genetic diseases. Identifiers: MedGen C0950123, MeSH D030342.

Allele frequency attached by ClinVar (database versions not stated): gnomAD exomes below 0.00001.

Submission:

Ambry Genetics
Classification: Uncertain significance for Inborn genetic diseases. Last evaluated: 2020-10-29. Review status: criteria provided, single submitter. Criteria: Ambry Variant Classification Scheme 2023. Collection method: clinical testing. Allele origin: germline.
Comment: The c.497T>A (p.M166K) alteration is located in exon 5 (coding exon 4) of the AASS gene. This alteration results from a T to A substitution at nucleotide position 497, causing the methionine (M) at amino acid position 166 to be replaced by a lysine (K). Based on data from the Genome Aggregation Database (gnomAD), the AASS c.497T>A alteration was not observed, with coverage at this position. This amino acid position is not conserved in available vertebrate species. The in silico prediction for the p.M166K alteration is inconclusive. Based on insufficient or conflicting evidence, the clinical significance of this alteration remains unclear.